The following is an entry in ClinVar:

ClinVar aggregate classification (germline): Likely benign. Review status: criteria provided, multiple submitters, no conflicts (2 of 4 stars). 2 submissions from 2 submitters: Likely benign (2). Last evaluated 2024-09-01.

Allele frequency attached by ClinVar (database versions not stated): gnomAD exomes 0.00052 and 0.00055; ESP Exome Variant Server 0.00062; ExAC 0.00064; TOPMed 0.00064; gnomAD 0.00070; 1000 Genomes Project 30x 0.00109; 1000 Genomes Project 0.00120.

Submissions (2):

CeGaT Center for Human Genetics Tuebingen
Classification: Likely benign. Last evaluated: 2024-09-01. Review status: criteria provided, single submitter. Criteria: CeGaT Center For Human Genetics Tuebingen Variant Classification Criteria Version 2. Collection method: clinical testing. Allele origin: germline. Affected: yes. Observed: 2 variant alleles.
Comment: FOS: BP4, BP7

Labcorp Genetics (formerly Invitae), Labcorp
Classification: Likely benign. Last evaluated: 2019-12-31. Review status: criteria provided, single submitter. Criteria: Invitae Variant Classification Sherloc (09022015). Collection method: clinical testing. Allele origin: germline.

NM_005252.4(FOS):c.699G>A (p.Pro233=)

Gene: FOS (Fos proto-oncogene, AP-1 transcription factor subunit; plus strand). Cytogenetic location: 14q24.3.
Variant type: single nucleotide variant.
Coding change: c.699G>A on transcript NM_005252.4 (MANE Select); coding-DNA position 699, G replaced by A.
Protein change: p.Pro233=; no amino-acid change (proline 233 retained).
Molecular consequence: synonymous variant.
Genome position (GRCh38, 1-based): chr14:75,280,980, G>A. VCF-style: chr14-75280980-G-A. GRCh37 (hg19) VCF-style: chr14-75747683-G-A.
Identifiers: ClinVar variation 787638 (VCV000787638.35), dbSNP rs149102313, ClinGen allele CA7277729.